The following is an entry in ClinVar:

ClinVar aggregate classification (germline): Uncertain significance (1 of 4 stars; one submission).

Submission:

Labcorp Genetics (formerly Invitae), Labcorp
Classification: Uncertain significance. Last evaluated: 2024-08-31. Review status: criteria provided, single submitter. Criteria: Invitae Variant Classification Sherloc (09022015). Collection method: clinical testing. Allele origin: germline.
Comment: This sequence change replaces arginine, which is basic and polar, with lysine, which is basic and polar, at codon 42 of the FSCN2 protein (p.Arg42Lys). This variant is not present in population databases (gnomAD no frequency). This variant has not been reported in the literature in individuals affected with FSCN2-related conditions. An algorithm developed to predict the effect of missense changes on protein structure and function (PolyPhen-2) suggests that this variant is likely to be tolerated. In summary, the available evidence is currently insufficient to determine the role of this variant in disease. Therefore, it has been classified as a Variant of Uncertain Significance.

NM_012418.4(FSCN2):c.125G>A (p.Arg42Lys)

Gene: FSCN2 (fascin actin-bundling protein 2, retinal; plus strand). Cytogenetic location: 17q25.3.
Variant type: single nucleotide variant.
Coding change: c.125G>A on transcript NM_012418.4 (MANE Select); coding-DNA position 125, G replaced by A.
Protein change: p.Arg42Lys; replaces arginine 42 with lysine.
Molecular consequence: missense variant.
Genome position (GRCh38, 1-based): chr17:81,528,656, G>A. VCF-style: chr17-81528656-G-A. GRCh37 (hg19) VCF-style: chr17-79495682-G-A.
Other names: c.125G>A, p.Arg42Lys (NM_001077182.3); short protein forms R42K.
Identifiers: ClinVar variation 3676270 (VCV003676270.2).